The following is an entry in ClinVar:

ClinVar aggregate classification (germline): Likely benign (0 of 4 stars; one submission).

Conditions:
SEMA3D-related disorder. Also called: SEMA3D-related condition.

Allele frequency attached by ClinVar (database versions not stated): gnomAD 0.00001; gnomAD exomes 0.00001; TOPMed 0.00002; ExAC 0.00003.

Submission:

PreventionGenetics, part of Exact Sciences
Classification: Likely benign for SEMA3D-related condition. Last evaluated: 2021-10-28. Review status: no assertion criteria provided. Collection method: clinical testing. Allele origin: germline.
Comment: This variant is classified as likely benign based on ACMG/AMP sequence variant interpretation guidelines (Richards et al. 2015 PMID: 25741868, with internal and published modifications).

NM_001384900.1(SEMA3D):c.1503+9dup

Gene: SEMA3D (semaphorin 3D; minus strand). Cytogenetic location: 7q21.11.
Variant type: Duplication.
Coding change: c.1503+9dup on transcript NM_001384900.1 (MANE Select); 9 bases into the intron after coding-DNA position 1503, one base duplicated (C; older notation c.1503+9dupC).
Molecular consequence: intron variant.
Genome position (GRCh38, 1-based): chr7:85,020,224, G duplicated on the plus strand (C on the coding strand, the reverse complement: SEMA3D is on the minus strand). VCF-style (leftmost placement, unchanged base first): chr7-85020223-T-TG. GRCh37 (hg19) VCF-style: chr7-84649539-T-TG.
Other names: c.1503+9dup (NM_001384901.1, NM_001384903.1, NM_001384902.1 and 1 more transcripts).
Identifiers: ClinVar variation 3044369 (VCV003044369.2), dbSNP rs780410439, ClinGen allele CA4323422.